The following is an entry in ClinVar:

NM_000038.6(APC):c.573_580del (p.Tyr191_Arg194delinsTer)

Gene: APC (APC regulator of Wnt signaling pathway; plus strand). Cytogenetic location: 5q22.2.
Variant type: Deletion.
Coding change: c.573_580del on transcript NM_000038.6 (MANE Select); coding-DNA positions 573 to 580, 8 bases deleted (TGAAGCAA; older notation c.573_580delTGAAGCAA).
Protein change: p.Tyr191_Arg194delinsTer.
Molecular consequence: nonsense. On other transcripts: 5 prime UTR variant (4), non-coding transcript variant (2).
Genome position (GRCh38, 1-based): chr5:112,780,831-112,780,838, TGAAGCAA deleted; deleting any 8 consecutive bases within chr5:112,780,830-112,780,838 gives the same sequence; the c. name uses the placement nearest the transcript's 3' end. VCF-style (leftmost placement, unchanged base first): chr5-112780829-TATGAAGCA-T. GRCh37 (hg19) VCF-style: chr5-112116526-TATGAAGCA-T.
Other names: c.573_580del, p.Tyr191_Arg194delinsTer (NM_001127510.3, NM_001354895.2, NM_001354896.2 and 16 more transcripts); c.603_610del, p.Tyr201_Arg204delinsTer (NM_001127511.3, NM_001354897.2, NM_001354902.2 and 1 more transcripts); c.498_505del, p.Tyr166_Arg169delinsTer (NM_001354898.2, NM_001354904.2, NM_001407451.1); c.396_403del, p.Tyr132_Arg135delinsTer (NM_001354900.2, NM_001354901.2, NM_001354905.2 and 1 more transcripts); c.-463_-456del (NM_001354906.2, NM_001407470.1, NM_001407471.1 and 1 more transcripts).
Identifiers: ClinVar variation 2584107 (VCV002584107.4), dbSNP rs2532486613, ClinGen allele CA2582341598.

ClinVar aggregate classification (germline): Pathogenic. Review status: criteria provided, multiple submitters, no conflicts (2 of 4 stars). 2 submissions from 2 submitters: Pathogenic (2). Last evaluated 2023-04-26.

Conditions:
Familial adenomatous polyposis 1 (FAP1). Also called: FAMILIAL ADENOMATOUS POLYPOSIS 1, ATTENUATED; POLYPOSIS, ADENOMATOUS INTESTINAL. Identifiers: MedGen C2713442, MONDO:0021056, OMIM 175100. Disease mechanism: loss of function.

Submissions (2):

Myriad Genetics, Inc.
Classification: Pathogenic for Familial adenomatous polyposis 1. Last evaluated: 2023-04-26. Review status: criteria provided, single submitter. Criteria: Myriad Autosomal Dominant, Autosomal Recessive and X-Linked Classification Criteria (2023). Collection method: clinical testing. Allele origin: unknown.
Comment: This variant is considered pathogenic. This variant creates a termination codon and is predicted to result in premature protein truncation.

Labcorp Genetics (formerly Invitae), Labcorp
Classification: Pathogenic for Familial adenomatous polyposis 1. Last evaluated: 2023-01-24. Review status: criteria provided, single submitter. Criteria: Invitae Variant Classification Sherloc (09022015). Collection method: clinical testing. Allele origin: germline.
Comment: This variant is not present in population databases (gnomAD no frequency). This premature translational stop signal has been observed in individual(s) with familial adenomatous polyposis (PMID: 35189564). For these reasons, this variant has been classified as Pathogenic. This sequence change creates a premature translational stop signal (p.Tyr191*) in the APC gene. It is expected to result in an absent or disrupted protein product. Loss-of-function variants in APC are known to be pathogenic (PMID: 17963004, 20685668).

Literature cited by the submitters: PubMed 35189564 (cited by Labcorp Genetics (formerly Invitae), Labcorp); PubMed 17963004 (cited by Labcorp Genetics (formerly Invitae), Labcorp); PubMed 20685668 (cited by Labcorp Genetics (formerly Invitae), Labcorp).